The following is an entry in ClinVar:

ClinVar aggregate classification (germline): Likely benign (1 of 4 stars; one submission).

Conditions:
Leigh syndrome (NULS). Also called: Leigh's necrotizing encephalopathy; Leigh's disease; Leigh's syndrome; LEIGH SYNDROME, NUCLEAR; Leigh Syndrome (mtDNA deletion); Leigh Disease. Identifiers: Orphanet 506, MedGen C2931891, MONDO:0009723, OMIM 256000.

Submission:

Wong Mito Lab, Molecular and Human Genetics, Baylor College of Medicine
Classification: Likely benign for Leigh syndrome. Last evaluated: 2019-10-17. Review status: criteria provided, single submitter. Criteria: Modified ACMG Guidelines (Unpublished). Collection method: clinical testing. Allele origin: germline.
Comment: The NC_012920.1:m.15657T>C (YP_003024038.1:p.Ile304Thr) variant in MTCYB gene is interpretated to be a Likely Benign variant based on the modified ACMG guidelines (unpublished). This variant meets the following evidence codes: BS1, BP4

NC_012920.1(MT-CYB):m.15657T>C

Gene: MT-CYB (mitochondrially encoded cytochrome b; plus strand).
Variant type: single nucleotide variant.
Genome position: chrM-15657-T-C.
Identifiers: ClinVar variation 693926 (VCV000693926.1), dbSNP rs1556424640, ClinGen allele CA913174478.